The following is an entry in ClinVar:

NM_201596.3(CACNB2):c.1818_1823del (p.His607_Arg608del)

Gene: CACNB2 (calcium voltage-gated channel auxiliary subunit beta 2; plus strand). Cytogenetic location: 10p12.31.
Variant type: Deletion.
Coding change: c.1818_1823del on transcript NM_201596.3 (MANE Select); coding-DNA positions 1818 to 1823, 6 bases deleted (GCACCG; older notation c.1818_1823delGCACCG).
Protein change: p.His607_Arg608del.
Molecular consequence: inframe deletion.
Genome position (GRCh38, 1-based): chr10:18,539,559-18,539,564, GCACCG deleted; deleting any 6 consecutive bases within chr10:18,539,556-18,539,564 gives the same sequence; the c. name uses the placement nearest the transcript's 3' end. VCF-style (leftmost placement, unchanged base first): chr10-18539555-CCCGGCA-C. GRCh37 (hg19) VCF-style: chr10-18828484-CCCGGCA-C.
Other names: c.1653_1658del, p.His552_Arg553del (NM_000724.4); c.1620_1625del, p.His541_Arg542del (NM_001167945.2); c.1539_1544del, p.His514_Arg515del (NM_001330060.2); c.1674_1679del, p.His559_Arg560del (NM_201570.3); c.1734_1739del, p.His579_Arg580del (NM_201571.4); c.1662_1667del, p.His555_Arg556del (NM_201572.4); c.1656_1661del, p.His553_Arg554del (NM_201590.3); c.1704_1709del, p.His569_Arg570del (NM_201593.3); and 1 more.
Identifiers: ClinVar variation 1403648 (VCV001403648.8), dbSNP rs1231423069, ClinGen allele CA662520707.

ClinVar aggregate classification (germline): Uncertain significance (1 of 4 stars; one submission).

Conditions:
Brugada syndrome 4 (BRGDA4). Identifiers: Orphanet 130, MedGen C2678477, MONDO:0012743, OMIM 611876.

Submission:

Labcorp Genetics (formerly Invitae), Labcorp
Classification: Uncertain significance for Brugada syndrome 4. Last evaluated: 2020-12-13. Review status: criteria provided, single submitter. Criteria: Invitae Variant Classification Sherloc (09022015). Collection method: clinical testing. Allele origin: germline.
Comment: In summary, the available evidence is currently insufficient to determine the role of this variant in disease. Therefore, it has been classified as a Variant of Uncertain Significance. Experimental studies and prediction algorithms are not available or were not evaluated, and the functional significance of this variant is currently unknown. This variant has not been reported in the literature in individuals with CACNB2-related conditions. This variant is not present in population databases (ExAC no frequency). This variant, c.1656_1661del, results in the deletion of 2 amino acid(s) of the CACNB2 protein (p.His553_Arg554del), but otherwise preserves the integrity of the reading frame.